The following is an entry in ClinVar:

ClinVar aggregate classification (germline): Uncertain significance. Review status: criteria provided, multiple submitters, no conflicts (2 of 4 stars). 2 submissions from 2 submitters: Uncertain significance (2). Last evaluated 2024-04-02.

Conditions:
Xanthinuria type II. Also called: Xanthine dehydrogenase and aldehyde oxidase combined deficiency of; XDH and AOX dual deficiency. Identifiers: Orphanet 3467, Orphanet 93602, MedGen C1863688, MONDO:0011346, OMIM 603592.
Hereditary xanthinuria type 1 (XAN1). Identifiers: Orphanet 3467, Orphanet 93601, MedGen C0268118, MONDO:0010209, OMIM 278300.

Allele frequency attached by ClinVar (database versions not stated): gnomAD 0.00010; gnomAD exomes 0.00012; ExAC 0.00017; TOPMed 0.00024.
gnomAD v4.1: 190 of 1,614,076 alleles (0.012%); highest among the groups gnomAD compares: Admixed American, 0.057%; no homozygotes.

Submissions (2):

Fulgent Genetics
Classification: Uncertain significance for Hereditary xanthinuria type 1. Last evaluated: 2024-04-02. Review status: criteria provided, single submitter. Criteria: ACMG Guidelines, 2015. Collection method: clinical testing. Allele origin: germline.

Labcorp Genetics (formerly Invitae), Labcorp
Classification: Uncertain significance for Xanthinuria type II. Last evaluated: 2022-08-22. Review status: criteria provided, single submitter. Criteria: Invitae Variant Classification Sherloc (09022015). Collection method: clinical testing. Allele origin: germline.
Comment: This sequence change replaces arginine, which is basic and polar, with tryptophan, which is neutral and slightly polar, at codon 913 of the XDH protein (p.Arg913Trp). This variant is present in population databases (rs776794071, gnomAD 0.07%). This missense change has been observed in individual(s) with clinical features of xanthinuria (PMID: 32067994). Algorithms developed to predict the effect of missense changes on protein structure and function (SIFT, PolyPhen-2, Align-GVGD) all suggest that this variant is likely to be disruptive. In summary, the available evidence is currently insufficient to determine the role of this variant in disease. Therefore, it has been classified as a Variant of Uncertain Significance.

Literature cited by the submitters: PubMed 32067994 (cited by Labcorp Genetics (formerly Invitae), Labcorp).

NM_000379.4(XDH):c.2737C>T (p.Arg913Trp)

Gene: XDH (xanthine dehydrogenase; minus strand). Cytogenetic location: 2p23.1.
Variant type: single nucleotide variant.
Coding change: c.2737C>T on transcript NM_000379.4 (MANE Select); coding-DNA position 2737, C replaced by T.
Protein change: p.Arg913Trp; replaces arginine 913 with tryptophan.
Molecular consequence: missense variant.
Genome position (GRCh38, 1-based): chr2:31,350,118, G>A on the plus strand (C>T on the coding strand, the complement: XDH is on the minus strand). VCF-style: chr2-31350118-G-A. GRCh37 (hg19) VCF-style: chr2-31572984-G-A.
Other names: short protein forms R913W.
Identifiers: ClinVar variation 2055342 (VCV002055342.2), dbSNP rs776794071, ClinGen allele CA1598697.